The following is an entry in ClinVar:

ClinVar aggregate classification (germline): Likely benign. Review status: criteria provided, multiple submitters, no conflicts (2 of 4 stars). 4 submissions from 4 submitters: Likely benign (3). 1 of the submissions does not count toward it. Last evaluated 2026-01-01.

Conditions:
HK1-related disorder. Also called: HK1-related disorders; HK1-related condition.

Allele frequency attached by ClinVar (database versions not stated): ExAC 0.00001; gnomAD exomes 0.00004 and 0.00005; ESP Exome Variant Server 0.00008; TOPMed 0.00010.
gnomAD v4.1: 86 of 1,613,430 alleles (0.0053%); highest among the groups gnomAD compares: African/African-American, 0.0093%; no homozygotes.

Submissions (4):

CeGaT Center for Human Genetics Tuebingen
Classification: Likely benign. Last evaluated: 2026-01-01. Review status: criteria provided, single submitter. Criteria: CeGaT Center For Human Genetics Tuebingen Variant Classification Criteria Version 2. Collection method: clinical testing. Allele origin: germline. Affected: yes. Observed: 1 variant allele.
Comment: HK1: BP4, BP7

Labcorp Genetics (formerly Invitae), Labcorp
Classification: Likely benign. Last evaluated: 2025-07-16. Review status: criteria provided, single submitter. Criteria: Invitae Variant Classification Sherloc (09022015). Collection method: clinical testing. Allele origin: germline.

Blueprint Genetics
Classification: Likely benign. Last evaluated: 2024-10-11. Review status: criteria provided, single submitter. Criteria: ACMG Guidelines, 2015. Collection method: clinical testing. Allele origin: germline.

PreventionGenetics, part of Exact Sciences
Classification: Likely benign for HK1-related condition. Last evaluated: 2024-05-31. Review status: no assertion criteria provided. Collection method: clinical testing. Allele origin: germline. Not counted in ClinVar's aggregate classification.
Comment: This variant is classified as likely benign based on ACMG/AMP sequence variant interpretation guidelines (Richards et al. 2015 PMID: 25741868, with internal and published modifications).

NM_000188.3(HK1):c.1479C>T (p.Ala493=)

Gene: HK1 (hexokinase 1; plus strand). Cytogenetic location: 10q22.1.
Variant type: single nucleotide variant.
Coding change: c.1479C>T on transcript NM_000188.3 (MANE Select); coding-DNA position 1479, C replaced by T.
Protein change: p.Ala493=; no amino-acid change (alanine 493 retained).
Molecular consequence: synonymous variant.
Genome position (GRCh38, 1-based): chr10:69,382,700, C>T. VCF-style: chr10-69382700-C-T. GRCh37 (hg19) VCF-style: chr10-71142456-C-T.
Other names: c.1491C>T, p.Ala497= (NM_001322364.2, NM_001358263.1, NM_033497.3 and 1 more transcripts); c.1584C>T, p.Ala528= (NM_001322365.2); c.1395C>T, p.Ala465= (NM_001322366.1); c.1383C>T, p.Ala461= (NM_001322367.1); c.1476C>T, p.Ala492= (NM_033496.3); c.1443C>T, p.Ala481= (NM_033500.2).
Identifiers: ClinVar variation 720849 (VCV000720849.15), dbSNP rs141299323, ClinGen allele CA5532609.